The following is an entry in ClinVar:

NM_000089.4(COL1A2):c.2137G>T (p.Glu713Ter)

Gene: COL1A2 (collagen type I alpha 2 chain; plus strand). Cytogenetic location: 7q21.3.
Variant type: single nucleotide variant.
Coding change: c.2137G>T on transcript NM_000089.4 (MANE Select); coding-DNA position 2137, G replaced by T.
Protein change: p.Glu713Ter; replaces glutamic acid 713 with a stop codon.
Molecular consequence: nonsense.
Genome position (GRCh38, 1-based): chr7:94,420,394, G>T. VCF-style: chr7-94420394-G-T. GRCh37 (hg19) VCF-style: chr7-94049706-G-T.
Other names: short protein forms E713*.
Identifiers: ClinVar variation 4785341 (VCV004785341.1).

ClinVar aggregate classification (germline): Pathogenic (1 of 4 stars; one submission).

Conditions:
Ehlers-Danlos syndrome, classic type, 1 (EDSCL1). Also called: EHLERS-DANLOS SYNDROME, GRAVIS TYPE; EHLERS-DANLOS SYNDROME, SEVERE CLASSIC TYPE; Ehlers-Danlos syndrome, type 1; Ehlers-Danlos Syndrome, Classic Type, COL5A1-Related; EDS I. Identifiers: MedGen C0268335, MONDO:0019567, OMIM 130000.
Osteogenesis imperfecta type I (OI1). Also called: OI, TYPE I; OSTEOGENESIS IMPERFECTA TARDA; OSTEOGENESIS IMPERFECTA WITH BLUE SCLERAE; Osteogenesis imperfecta type 1; Lobstein's Disease; Lobstein disease. Identifiers: Orphanet 216796, Orphanet 666, MedGen C0023931, MONDO:0008146, OMIM 166200. Disease mechanism: loss of function.

Submission:

Labcorp Genetics (formerly Invitae), Labcorp
Classification: Pathogenic for Osteogenesis imperfecta type I; Ehlers-Danlos syndrome, classic type, 1. Last evaluated: 2025-08-13. Review status: criteria provided, single submitter. Criteria: Invitae Variant Classification Sherloc (09022015). Collection method: clinical testing. Allele origin: germline.
Comment: This sequence change creates a premature translational stop signal (p.Glu713*) in the COL1A2 gene. It is expected to result in an absent or disrupted protein product. Loss-of-function variants in COL1A2 are known to be pathogenic (PMID: 11288717, 15077201). This variant is not present in population databases (gnomAD no frequency). This variant has not been reported in the literature in individuals affected with COL1A2-related conditions. For these reasons, this variant has been classified as Pathogenic.

Literature cited by the submitters: PubMed 11288717; PubMed 15077201.